The following is an entry in ClinVar:

NM_001114753.3(ENG):c.159C>A (p.Cys53Ter)

Gene: ENG (endoglin; minus strand). Cytogenetic location: 9q34.11.
Variant type: single nucleotide variant.
Coding change: c.159C>A on transcript NM_001114753.3 (MANE Select); coding-DNA position 159, C replaced by A.
Protein change: p.Cys53Ter; replaces cysteine 53 with a stop codon.
Molecular consequence: nonsense. On other transcripts: 5 prime UTR variant (1).
Genome position (GRCh38, 1-based): chr9:127,843,154, G>T on the plus strand (C>A on the coding strand, the complement: ENG is on the minus strand). VCF-style: chr9-127843154-G-T. GRCh37 (hg19) VCF-style: chr9-130605433-G-T.
Other names: c.159C>A, p.Cys53Ter (NM_000118.4, NM_001406715.1); c.-388C>A (NM_001278138.2); short protein forms C53*.
Identifiers: ClinVar variation 946806 (VCV000946806.19), dbSNP rs148475405, ClinGen allele CA374989025.

ClinVar aggregate classification (germline): Pathogenic. Review status: criteria provided, multiple submitters, no conflicts (2 of 4 stars). 4 submissions from 4 submitters: Pathogenic (4). Last evaluated 2020-08-28.

Conditions:
Cardiovascular phenotype. Identifiers: MedGen CN230736.
Hereditary hemorrhagic telangiectasia (HHT). Also called: ORW DISEASE; Osler Weber Rendu syndrome; OSLER-RENDU-WEBER DISEASE; Osler hemorrhagic telangiectasia syndrome. Identifiers: Orphanet 774, MedGen C0039445, MONDO:0019180. Disease mechanism: loss of function.
Telangiectasia, hereditary hemorrhagic, type 1 (HHT1). Also called: Osler Weber Rendu syndrome type 1; ENG-Related Hereditary Hemorrhagic Telangiectasia. Identifiers: Orphanet 774, MedGen C4551861, MONDO:0008535, OMIM 187300. Disease mechanism: loss of function.

Submissions (4):

ARUP Laboratories, Molecular Genetics and Genomics, ARUP Laboratories
Classification: Pathogenic for Telangiectasia, hereditary hemorrhagic, type 1. Last evaluated: 2020-08-28. Review status: criteria provided, single submitter. Criteria: ARUP Molecular Germline Variant Investigation Process. Collection method: clinical testing. Allele origin: germline.
Comment: The ENG c.159C>A; p.Cys53Ter variant is reported in the literature in an individual affected with hereditary hemorrhagic telangiectasia (Letteboer 2005). This variant is absent from general population databases (Exome Variant Server, Genome Aggregation Database), indicating it is not a common polymorphism. This variant induces an early termination codon and is predicted to result in a truncated protein or mRNA subject to nonsense-mediated decay. Based on available information, this variant is considered to be pathogenic. References: Letteboer TG et al. Hereditary hemorrhagic telangiectasia: ENG and ALK-1 mutations in Dutch patients. Hum Genet. 2005;116(1-2):8-16.

Labcorp Genetics (formerly Invitae), Labcorp
Classification: Pathogenic for Hereditary hemorrhagic telangiectasia. Last evaluated: 2020-01-28. Review status: criteria provided, single submitter. Criteria: Invitae Variant Classification Sherloc (09022015). Collection method: clinical testing. Allele origin: germline.
Comment: For these reasons, this variant has been classified as Pathogenic. Loss-of-function variants in ENG are known to be pathogenic (PMID: 15879500, 20656886, 22385575). This nonsense change has been observed in an individual affected with hereditary hemorrhagic telangiectasia (PMID: 15517393). This variant is not present in population databases (ExAC no frequency). This sequence change creates a premature translational stop signal (p.Cys53*) in the ENG gene. It is expected to result in an absent or disrupted protein product.

NIHR Bioresource Rare Diseases, University of Cambridge
Classification: Pathogenic for Telangiectasia, hereditary hemorrhagic, type 1. Last evaluated: 2018-01-01. Review status: criteria provided, single submitter. Criteria: ACMG Guidelines, 2015. Collection method: research. Allele origin: unknown. Affected: yes. Observed: 1 variant allele.
Comment: PVS1+PM2+PP4

Ambry Genetics
Classification: Pathogenic for Cardiovascular phenotype. Last evaluated: 2017-10-20. Review status: criteria provided, single submitter. Criteria: Ambry Variant Classification Scheme 2023. Collection method: clinical testing. Allele origin: germline.
Comment: The p.C53* pathogenic mutation (also known as c.159C>A), located in coding exon 2 of the ENG gene, results from a C to A substitution at nucleotide position 159. This changes the amino acid from a cysteine to a stop codon within coding exon 2. This mutation was identified in one individual with a clinical diagnosis of hereditary hemorrhagic telangiectasia (Letteboer TG et al. Hum. Genet., 2005 Jan;116:8-16). In addition to the clinical data presented in the literature, this alteration is expected to result in loss of function by premature protein truncation or nonsense-mediated mRNA decay. As such, this alteration is interpreted as a disease-causing mutation.

Literature cited by the submitters: PubMed 15879500 (cited by Labcorp Genetics (formerly Invitae), Labcorp); PubMed 20656886 (cited by Labcorp Genetics (formerly Invitae), Labcorp); PubMed 22385575 (cited by Labcorp Genetics (formerly Invitae), Labcorp); PubMed 15517393 (cited by Labcorp Genetics (formerly Invitae), Labcorp and Ambry Genetics); PubMed 32573726 (cited by NIHR Bioresource Rare Diseases, University of Cambridge).